The following is an entry in ClinVar:

NM_004281.4(BAG3):c.855G>A (p.Thr285=)

Gene: BAG3 (BAG cochaperone 3; plus strand). Cytogenetic location: 10q26.11.
Variant type: single nucleotide variant.
Coding change: c.855G>A on transcript NM_004281.4 (MANE Select); coding-DNA position 855, G replaced by A.
Protein change: p.Thr285=; no amino-acid change (threonine 285 retained).
Molecular consequence: synonymous variant.
Genome position (GRCh38, 1-based): chr10:119,672,602, G>A. VCF-style: chr10-119672602-G-A. GRCh37 (hg19) VCF-style: chr10-121432114-G-A.
Other names: p.T285T:ACG>ACA.
Identifiers: ClinVar variation 201675 (VCV000201675.99), dbSNP rs147259596, ClinGen allele CA308212.

ClinVar aggregate classification (germline): Conflicting classifications of pathogenicity. Review status: criteria provided, conflicting classifications (1 of 4 stars). 16 submissions from 15 submitters: Uncertain significance (1); Benign (3); Likely benign (7). 5 of the submissions do not count toward it. Last evaluated 2026-07-01.

Conditions:
BAG3-related disorder. Also called: BAG3-related condition.
Cardiovascular phenotype. Identifiers: MedGen CN230736.
Dilated cardiomyopathy 1HH (CMD1HH). Identifiers: Orphanet 154, MedGen C3151293, MONDO:0013479, OMIM 613881.
Myofibrillar myopathy 6. Identifiers: Orphanet 199340, MedGen C2751831, MONDO:0013061, OMIM 612954.
Cardiomyopathy (CMYO). Also called: Cardiomyopathies. Identifiers: Orphanet 167848, MedGen C0878544, MONDO:0004994, HP:0001638. Inheritance: Various modes of inheritance.

Allele frequency attached by ClinVar (database versions not stated): gnomAD 0.00048; TOPMed 0.00049; ESP Exome Variant Server 0.00062; gnomAD exomes 0.00066 and 0.00038; ExAC 0.00031.
gnomAD v4.1: 1,047 of 1,614,006 alleles (0.065%); highest among the groups gnomAD compares: Non-Finnish European, 0.081%; no homozygotes.

Submissions (16):

CeGaT Center for Human Genetics Tuebingen
Classification: Likely benign. Last evaluated: 2026-07-01. Review status: criteria provided, single submitter. Criteria: CeGaT Center For Human Genetics Tuebingen Variant Classification Criteria Version 2. Collection method: clinical testing. Allele origin: germline. Affected: yes. Observed: 6 variant alleles.
Comment: BAG3: BP4, BP7

Labcorp Genetics (formerly Invitae), Labcorp
Classification: Likely benign for Dilated cardiomyopathy 1HH; Myofibrillar myopathy 6. Last evaluated: 2026-01-22. Review status: criteria provided, single submitter. Criteria: Invitae Variant Classification Sherloc (09022015). Collection method: clinical testing. Allele origin: germline.

ARUP Laboratories, Molecular Genetics and Genomics, ARUP Laboratories
Classification: Likely benign. Last evaluated: 2025-07-10. Review status: criteria provided, single submitter. Criteria: ARUP Molecular Germline Variant Investigation Process 2024. Collection method: clinical testing. Allele origin: germline.

Molecular Diagnostic Laboratory for Inherited Cardiovascular Disease, Montreal Heart Institute
Classification: Likely benign. Last evaluated: 2025-04-09. Review status: criteria provided, single submitter. Criteria: ACMG Guidelines, 2015. Collection method: clinical testing. Allele origin: germline. Affected: no.

Blueprint Genetics
Classification: Likely benign. Last evaluated: 2024-11-25. Review status: criteria provided, single submitter. Criteria: ACMG Guidelines, 2015. Collection method: clinical testing. Allele origin: germline.

Women's Health and Genetics/Laboratory Corporation of America, LabCorp
Classification: Benign. Last evaluated: 2024-02-26. Review status: criteria provided, single submitter. Criteria: LabCorp Variant Classification Summary - May 2015. Collection method: clinical testing. Allele origin: germline.

CHEO Genetics Diagnostic Laboratory, Children's Hospital of Eastern Ontario
Classification: Likely benign for Cardiomyopathy. Last evaluated: 2023-01-09. Review status: criteria provided, single submitter. Criteria: ACMG Guidelines, 2015. Collection method: clinical testing. Allele origin: germline.

Ambry Genetics
Classification: Likely benign for Cardiovascular phenotype. Last evaluated: 2019-05-28. Review status: criteria provided, single submitter. Criteria: Ambry Variant Classification Scheme 2023. Collection method: clinical testing. Allele origin: germline.

Illumina Laboratory Services, Illumina
Classification: Uncertain significance for Dilated cardiomyopathy 1HH. Last evaluated: 2018-01-12. Review status: criteria provided, single submitter. Criteria: ICSL Variant Classification Criteria 13 December 2019. Collection method: clinical testing. Allele origin: germline.

Illumina Laboratory Services, Illumina
Classification: Benign for Myofibrillar myopathy 6. Last evaluated: 2018-01-12. Review status: criteria provided, single submitter. Criteria: ICSL Variant Classification Criteria 13 December 2019. Collection method: clinical testing. Allele origin: germline.
Comment: This variant was observed in the ICSL laboratory as part of a predisposition screen in an ostensibly healthy population. It had not been previously curated by ICSL or reported in the Human Gene Mutation Database (HGMD: prior to June 1st, 2018), and was therefore a candidate for classification through an automated scoring system. Utilizing variant allele frequency, disease prevalence and penetrance estimates, and inheritance mode, an automated score was calculated to assess if this variant is too frequent to cause the disease. Based on the score and internal cut-off values, a variant classified as benign is not then subjected to further curation. The score for this variant resulted in a classification of benign for this disease.

GeneDx
Classification: Benign. Last evaluated: 2014-10-16. Review status: criteria provided, single submitter. Criteria: GeneDx Variant Classification (06012015). Collection method: clinical testing. Allele origin: germline. Affected: yes.
Comment: This variant is considered likely benign or benign based on one or more of the following criteria: it is a conservative change, it occurs at a poorly conserved position in the protein, it is predicted to be benign by multiple in silico algorithms, and/or has population frequency not consistent with disease.

PreventionGenetics, part of Exact Sciences
Classification: Likely benign for BAG3-related condition. Last evaluated: 2019-05-24. Review status: no assertion criteria provided. Collection method: clinical testing. Allele origin: germline. Not counted in ClinVar's aggregate classification.
Comment: This variant is classified as likely benign based on ACMG/AMP sequence variant interpretation guidelines (Richards et al. 2015 PMID: 25741868, with internal and published modifications).

Clinical Genetics DNA and cytogenetics Diagnostics Lab, Erasmus MC, Erasmus Medical Center
Classification: Likely benign. Review status: no assertion criteria provided. Collection method: clinical testing. Allele origin: germline. Affected: yes. Study: VKGL Data-share Consensus. Not counted in ClinVar's aggregate classification.

Clinical Genetics, Academic Medical Center
Classification: Benign. Review status: no assertion criteria provided. Collection method: clinical testing. Allele origin: germline. Affected: yes. Study: VKGL Data-share Consensus. Not counted in ClinVar's aggregate classification.

Diagnostic Laboratory, Department of Genetics, University Medical Center Groningen
Classification: Likely benign. Review status: no assertion criteria provided. Collection method: clinical testing. Allele origin: germline. Affected: yes. Study: VKGL Data-share Consensus. Not counted in ClinVar's aggregate classification.

Joint Genome Diagnostic Labs from Nijmegen and Maastricht, Radboudumc and MUMC+
Classification: Benign. Review status: no assertion criteria provided. Collection method: clinical testing. Allele origin: germline. Affected: yes. Study: VKGL Data-share Consensus. Not counted in ClinVar's aggregate classification.